The following is an entry in ClinVar:

ClinVar aggregate classification (germline): Benign/Likely benign. Review status: criteria provided, multiple submitters, no conflicts (2 of 4 stars). 4 submissions from 4 submitters: Benign (2); Likely benign (2). Last evaluated 2025-09-14.

Conditions:
Hereditary breast ovarian cancer syndrome. Also called: Hereditary breast and ovarian cancer syndrome (HBOC); Hereditary breast and ovarian cancer; BRCA1- and BRCA2-Associated Hereditary Breast and Ovarian Cancer; Breast and ovarian cancer; Hereditary breast and ovarian cancer syndrome; Hereditary breast and/or ovarian cancer syndrome. Identifiers: Orphanet 145, MedGen C0677776, MeSH D061325, MONDO:0003582. Disease mechanism: loss of function.
Breast-ovarian cancer, familial, susceptibility to, 1 (BROVCA1). Also called: OVARIAN CANCER, SUSCEPTIBILITY TO; BRCA1 Hereditary Breast and Ovarian Cancer. Identifiers: Orphanet 145, MedGen C2676676, MONDO:0011450, OMIM 604370. Disease mechanism: loss of function.

Allele frequency attached by ClinVar (database versions not stated): ExAC 0.00001; gnomAD 0.00001; TOPMed 0.00001; ESP Exome Variant Server 0.00008.
gnomAD v4.1: 4 of 1,610,786 alleles (0.00025%); highest among the groups gnomAD compares: African/African-American, 0.0053%; no homozygotes.

Submissions (4):

Labcorp Genetics (formerly Invitae), Labcorp
Classification: Likely benign for Hereditary breast ovarian cancer syndrome. Last evaluated: 2025-09-14. Review status: criteria provided, single submitter. Criteria: Invitae Variant Classification Sherloc (09022015). Collection method: clinical testing. Allele origin: germline.

Myriad Genetics, Inc.
Classification: Benign for Breast-ovarian cancer, familial, susceptibility to, 1. Last evaluated: 2024-01-22. Review status: criteria provided, single submitter. Criteria: Myriad Autosomal Dominant, Autosomal Recessive and X-Linked Classification Criteria (2023). Collection method: clinical testing. Allele origin: unknown.
Comment: This variant is considered benign. This variant is intronic and is not expected to impact mRNA splicing. This variant is strongly associated with less severe personal and family histories of cancer, typical for individuals without pathogenic variants in this gene [PMID: 25085752].

Women's Health and Genetics/Laboratory Corporation of America, LabCorp
Classification: Likely benign. Last evaluated: 2023-11-03. Review status: criteria provided, single submitter. Criteria: LabCorp Variant Classification Summary - May 2015. Collection method: clinical testing. Allele origin: germline.

GeneDx
Classification: Benign. Last evaluated: 2015-03-03. Review status: criteria provided, single submitter. Criteria: GeneDx Variant Classification Process June 2021. Collection method: clinical testing. Allele origin: germline. Affected: yes.

Literature cited by the submitters: PubMed 25085752 (cited by Myriad Genetics, Inc.).

NM_007294.4(BRCA1):c.5194-16G>A

Gene: BRCA1 (BRCA1 DNA repair associated; minus strand). Cytogenetic location: 17q21.31.
Variant type: single nucleotide variant.
Coding change: c.5194-16G>A on transcript NM_007294.4 (MANE Select); 16 bases into the intron before coding-DNA position 5194, G replaced by A.
Molecular consequence: intron variant.
Genome position (GRCh38, 1-based): chr17:43,057,151, C>T on the plus strand (G>A on the coding strand, the complement: BRCA1 is on the minus strand). VCF-style: chr17-43057151-C-T. GRCh37 (hg19) VCF-style: chr17-41209168-C-T.
Other names: c.5191-16G>A (NM_001407614.1, NM_001407626.1, NM_001407617.1 and 17 more transcripts); c.5257-16G>A (NM_001407587.1, NM_001407585.1, NM_007300.4 and 1 more transcripts); c.1645-16G>A (NM_001408494.1); c.1759-16G>A (NM_001408444.1, NM_001408438.1, NM_001408432.1 and 10 more transcripts); c.1762-16G>A (NM_001408430.1, NM_001408427.1, NM_001408431.1 and 4 more transcripts); c.5065-16G>A (NM_001407682.1, NM_001407689.1, NM_001407681.1 and 6 more transcripts); c.5068-16G>A (NM_001407676.1, NM_001407679.1, NM_001407670.1 and 10 more transcripts); c.4990-16G>A (NM_001407863.1); and 72 more.
Identifiers: ClinVar variation 633090 (VCV000633090.16), dbSNP rs368058346, ClinGen allele CA054131.